The following is an entry in ClinVar:

NM_006440.5(TXNRD2):c.224C>T (p.Pro75Leu)

Gene: TXNRD2 (thioredoxin reductase 2; minus strand). Cytogenetic location: 22q11.21.
Variant type: single nucleotide variant.
Coding change: c.224C>T on transcript NM_006440.5 (MANE Select); coding-DNA position 224, C replaced by T.
Protein change: p.Pro75Leu; replaces proline 75 with leucine.
Molecular consequence: missense variant. On other transcripts: 5 prime UTR variant (1).
Genome position (GRCh38, 1-based): chr22:19,919,548, G>A on the plus strand (C>T on the coding strand, the complement: TXNRD2 is on the minus strand). VCF-style: chr22-19919548-G-A. GRCh37 (hg19) VCF-style: chr22-19907071-G-A.
Other names: c.221C>T, p.Pro74Leu (NM_001352300.2); c.134C>T, p.Pro45Leu (NM_001352301.2); c.-65C>T (NM_001352302.2); c.128C>T, p.Pro43Leu (NM_001352303.2); c.224C>T, p.Pro75Leu (NM_001282512.3); short protein forms P45L, P43L, P74L, P75L.
Identifiers: ClinVar variation 967638 (VCV000967638.10), dbSNP rs888739263, ClinGen allele CA322105647.
Genomic context (GRCh38, chr22:19,919,548, plus strand): 5'-GCCCACCTCCCACCTCCTTCCCCAGGACACCCGGCTCCCATAGGGTGCTGCCTACCTTGG[G>A]GAGAAGGTTCCACGTAGTCCACCACGGCCACCTTCCTTCCCAGCTGGGCGGCTGGAAGGA-3'
Protein context (NP_006431.2, residues 65-85): VAVVDYVEPS[Pro75Leu]QGTRWGLGGT

ClinVar aggregate classification (germline): Uncertain significance. Review status: criteria provided, multiple submitters, no conflicts (2 of 4 stars). 2 submissions from 2 submitters: Uncertain significance (2). Last evaluated 2024-07-24.

Conditions:
Cardiovascular phenotype. Identifiers: MedGen CN230736.
Primary dilated cardiomyopathy (DCM). Also called: Dilated Cardiomyopathy. Identifiers: Orphanet 217604, MedGen C0007193, MeSH D002311, MONDO:0005021, HP:0001644. Inheritance: Various modes of inheritance.

Allele frequency attached by ClinVar (database versions not stated): gnomAD 0.00001; gnomAD exomes 0.00001; TOPMed 0.00001.
gnomAD v4.1: 15 of 1,560,746 alleles (0.00096%); highest among the groups gnomAD compares: Non-Finnish European, 0.001%; no homozygotes.

Submissions (2):

Labcorp Genetics (formerly Invitae), Labcorp
Classification: Uncertain significance for Primary dilated cardiomyopathy. Last evaluated: 2024-07-24. Review status: criteria provided, single submitter. Criteria: Invitae Variant Classification Sherloc (09022015). Collection method: clinical testing. Allele origin: germline.
Comment: This sequence change replaces proline, which is neutral and non-polar, with leucine, which is neutral and non-polar, at codon 75 of the TXNRD2 protein (p.Pro75Leu). The frequency data for this variant in the population databases is considered unreliable, as metrics indicate poor data quality at this position in the gnomAD database. This variant has not been reported in the literature in individuals affected with TXNRD2-related conditions. ClinVar contains an entry for this variant (Variation ID: 967638). An algorithm developed to predict the effect of missense changes on protein structure and function (PolyPhen-2) suggests that this variant is likely to be tolerated. In summary, the available evidence is currently insufficient to determine the role of this variant in disease. Therefore, it has been classified as a Variant of Uncertain Significance.

Ambry Genetics
Classification: Uncertain significance for Cardiovascular phenotype. Last evaluated: 2023-12-31. Review status: criteria provided, single submitter. Criteria: Ambry Variant Classification Scheme 2023. Collection method: clinical testing. Allele origin: germline.
Comment: The p.P75L variant (also known as c.224C>T), located in coding exon 3 of the TXNRD2 gene, results from a C to T substitution at nucleotide position 224. The proline at codon 75 is replaced by leucine, an amino acid with similar properties. This amino acid position is conserved. In addition, this alteration is predicted to be tolerated by in silico analysis. Since supporting evidence is limited at this time, the clinical significance of this alteration remains unclear.